The following is an entry in ClinVar:

ClinVar aggregate classification (germline): Conflicting classifications of pathogenicity. Review status: criteria provided, conflicting classifications (1 of 4 stars). 2 submissions from 2 submitters: Likely pathogenic (1); Uncertain significance (1). Last evaluated 2024-02-23.

Conditions:
Intellectual developmental disorder with speech delay, dysmorphic facies, and t-cell abnormalities. Also called: BCL11B-related BAFopathy. Identifiers: Orphanet 662829, MedGen C4748152, MONDO:0060763, OMIM 618092.

Submissions (2):

Labcorp Genetics (formerly Invitae), Labcorp
Classification: Uncertain significance. Last evaluated: 2024-02-23. Review status: criteria provided, single submitter. Criteria: Invitae Variant Classification Sherloc (09022015). Collection method: clinical testing. Allele origin: germline.
Comment: This sequence change creates a premature translational stop signal (p.His818Argfs*31) in the BCL11B gene. While this is not anticipated to result in nonsense mediated decay, it is expected to disrupt the last 77 amino acid(s) of the BCL11B protein. This variant is not present in population databases (gnomAD no frequency). This variant has not been reported in the literature in individuals affected with BCL11B-related conditions. ClinVar contains an entry for this variant (Variation ID: 1177352). Experimental studies and prediction algorithms are not available or were not evaluated, and the functional significance of this variant is currently unknown. In summary, the available evidence is currently insufficient to determine the role of this variant in disease. Therefore, it has been classified as a Variant of Uncertain Significance.

Baylor Genetics
Classification: Likely pathogenic for BCL11B-related BAFopathy. Last evaluated: 2021-06-10. Review status: criteria provided, single submitter. Criteria: ACMG Guidelines, 2015. Collection method: clinical testing. Allele origin: de novo. Affected: yes.

NM_138576.4(BCL11B):c.2439_2452dup (p.His818fs)

Gene: BCL11B (BCL11 transcription factor B; minus strand). Cytogenetic location: 14q32.2.
Variant type: Duplication.
Coding change: c.2439_2452dup on transcript NM_138576.4 (MANE Select); coding-DNA positions 2439 to 2452, 14 bases duplicated (GCACCGGCGGAGCC).
Protein change: p.His818fs; shifts the reading frame from histidine 818.
Molecular consequence: frameshift variant.
Genome position (GRCh38, 1-based): chr14:99,174,384-99,174,397, GGCTCCGCCGGTGC duplicated on the plus strand (GCACCGGCGGAGCC on the coding strand, the reverse complement: BCL11B is on the minus strand). VCF-style (leftmost placement, unchanged base first): chr14-99174383-T-TGGCTCCGCCGGTGC. GRCh37 (hg19) VCF-style: chr14-99640720-T-TGGCTCCGCCGGTGC.
Other names: c.2436_2449dup, p.His817fs (NM_001282237.2); c.2223_2236dup, p.His746fs (NM_001282238.2); c.2226_2239dup, p.His747fs (NM_022898.3); short protein forms H746fs, H747fs, H817fs, H818fs.
Identifiers: ClinVar variation 1177352 (VCV001177352.7), dbSNP rs2139753087, ClinGen allele CA2499222836.